The following is an entry in ClinVar:

NM_172351.3(CD46):c.1082+2T>A

Gene: CD46 (CD46 molecule; plus strand). Cytogenetic location: 1q32.2.
Variant type: single nucleotide variant.
Coding change: c.1082+2T>A on transcript NM_172351.3 (MANE Select); the canonical splice donor site of the intron after coding-DNA position 1082, T replaced by A.
Molecular consequence: splice donor variant. On other transcripts: intron variant (1).
Genome position (GRCh38, 1-based): chr1:207,785,684, T>A. VCF-style: chr1-207785684-T-A. GRCh37 (hg19) VCF-style: chr1-207959029-T-A.
Other names: NC_000001.10:g.207959029T>A; c.1127+2T>A (NM_002389.4, NM_172359.3); c.1082+2T>A (NM_153826.4); c.1045+2T>A (NM_172358.3); c.1040+2T>A (NM_172355.3, NM_172356.3); c.1037+2T>A (NM_172352.3, NM_172353.3); c.973+578T>A (NM_172350.3); c.995+2T>A (NM_172357.3, NM_172361.3).
Identifiers: ClinVar variation 3895475 (VCV003895475.4).

ClinVar aggregate classification (germline): Pathogenic. Review status: criteria provided, multiple submitters, no conflicts (2 of 4 stars). 2 submissions from 2 submitters: Pathogenic (2). Last evaluated 2026-09-17.

Conditions:
Atypical hemolytic-uremic syndrome with MCP/CD46 anomaly. Also called: HEMOLYTIC UREMIC SYNDROME, ATYPICAL, SUSCEPTIBILITY TO, 2; AHUS, SUSCEPTIBILITY TO, 2. Identifiers: Orphanet 2134, MedGen C2752040, MONDO:0013040, OMIM 612922.
Atypical hemolytic-uremic syndrome. Identifiers: Orphanet 2134, MedGen C2931788, MONDO:0016244.

Submissions (3):

Genomenon, Inc
Classification: Pathogenic for Atypical hemolytic-uremic syndrome. Last evaluated: 2026-09-17. Review status: criteria provided, single submitter. Criteria: Genomenon Sequence Variant Interpretation Standards - Updated. Collection method: curation. Allele origin: germline. Affected: yes.
Comment: CD46 c.1127+2T>A is a canonical splice variant affecting the donor splice site of intron 12. It is predicted to affect mRNA splicing, leading to a deleterious effect on the CD46 protein. This variant has been observed in at least one proband affected with atypical hemolytic-uremic syndrome (PMID:40983966). Functional studies have been reported (PMID:40983966). It is absent or not present at a significant frequency in gnomAD. In conclusion, we classify CD46 c.1127+2T>A as a pathogenic variant.

Renal Pathology Laboratory, Fuyang People’s Hospital of Anhui Medical University
Classification: Pathogenic for Atypical hemolytic-uremic syndrome with MCP/CD46 anomaly. Last evaluated: 2024-04-01. Review status: criteria provided, single submitter. Criteria: ACMG Guidelines, 2015. Collection method: research. Allele origin: biparental, not applicable. Inheritance: Autosomal recessive inheritance. Affected: yes. Observed: 1 homozygote. Functional consequence: effect on RNA splicing function.
Comment: According to ACMG guidelines, this variant is classified as a pathogenic variant (PVS1+PS3_Supporting+PM2_Supporting+PM3): PVS1: this variant is a null variant (splicing mutation) that may result in loss of gene function (PVS1); PS3_Supporting: Functional studies showed a 53% reduction in CD46 protein levels in the proband (10.82 ng/mL) compared to a single healthy control (22.91 ng/mL), supporting a loss-of-function effect. PM2_Supporting: the frequency in the general population database is zero .

Dr. Peter K. Rogan Lab, Western University
No classification provided (evidence only). Condition: Nonpapillary renal cell carcinoma. Review status: no classification provided. Collection method: in vitro. Allele origin: not applicable. Functional consequence: retained intron. Not counted in ClinVar's aggregate classification.

Literature cited by the submitters: PubMed 40983966 (cited by Genomenon, Inc).